The following is an entry in ClinVar:

NM_000257.4(MYH7):c.602T>C (p.Ile201Thr)

Gene: MYH7 (myosin heavy chain 7; minus strand). Cytogenetic location: 14q11.2.
Variant type: single nucleotide variant.
Coding change: c.602T>C on transcript NM_000257.4 (MANE Select); coding-DNA position 602, T replaced by C.
Protein change: p.Ile201Thr; replaces isoleucine 201 with threonine.
Molecular consequence: missense variant.
Genome position (GRCh38, 1-based): chr14:23,431,798, A>G on the plus strand (T>C on the coding strand, the complement: MYH7 is on the minus strand). VCF-style: chr14-23431798-A-G. GRCh37 (hg19) VCF-style: chr14-23901007-A-G.
Other names: p.I201T:ATT>ACT; short protein forms I201T.
Identifiers: ClinVar variation 43093 (VCV000043093.30), dbSNP rs397516258, ClinGen allele CA016526.

ClinVar aggregate classification (germline): Pathogenic/Likely pathogenic. Review status: criteria provided, multiple submitters, no conflicts (2 of 4 stars). 13 submissions from 13 submitters: Pathogenic (6); Likely pathogenic (5). 2 of the submissions do not count toward it. Last evaluated 2026-01-22.

Conditions:
MYH7-related disorder. Also called: MYH7-related condition; MYH7-related disease; MYH7-related disorders.
Cardiomyopathy (CMYO). Also called: Cardiomyopathies. Identifiers: Orphanet 167848, MedGen C0878544, MONDO:0004994, HP:0001638. Inheritance: Various modes of inheritance.
Dilated cardiomyopathy 1S (CMD1S). Identifiers: Orphanet 154, Orphanet 54260, MedGen C1834481, MONDO:0013262, OMIM 613426.
Primary dilated cardiomyopathy (DCM). Also called: Dilated Cardiomyopathy. Identifiers: Orphanet 217604, MedGen C0007193, MeSH D002311, MONDO:0005021, HP:0001644. Inheritance: Various modes of inheritance.
Primary familial dilated cardiomyopathy (FDC). Also called: Familial dilated cardiomyopathy; Hypokinetic dilated cardiomyopathy, familial. Identifiers: Orphanet 217607, MedGen C0340427, MONDO:0016333.
Hypertrophic cardiomyopathy. Also called: HYPERTROPHIC MYOCARDIOPATHY. Identifiers: Orphanet 217569, MedGen C0007194, MeSH D002312, MONDO:0005045, HP:0001639.

Allele frequency attached by ClinVar (database versions not stated): gnomAD exomes below 0.00001.
gnomAD v4.1: 1 of 1,614,208 alleles (0.000062%); highest among the groups gnomAD compares: Non-Finnish European, 0.000085%; no homozygotes.

Submissions (13):

PreventionGenetics, part of Exact Sciences
Classification: Pathogenic for MYH7-related condition. Last evaluated: 2026-01-22. Review status: criteria provided, single submitter. Criteria: ACMG Guidelines, 2015. Collection method: clinical testing. Allele origin: germline.
Comment: The MYH7 c.602T>C variant is predicted to result in the amino acid substitution p.Ile201Thr. This variant has been reported in multiple individuals with dilated cardiomyopathy (DCM) and/or left ventricular noncompaction (LVNC) (for example, see Table S1, Pugh et al. 2014. PubMed ID: 24503780; Table S2, Mazzarotto et al. 2021. PubMed ID: 33500567; Table S4B, Ware et al. 2021. PubMed ID: 33906374), including one patient with DCM and LVNC where it apparently arose de novo (Franaszczyk et al. 2020. PubMed ID: 32013205). This variant has also been observed to co-segregate with disease in a family with DCM (Villard et al. 2005. PubMed ID: 15769782). In vitro studies suggest that this variant negatively impacts protein function (Ujfalusi et al. 2018. PubMed ID: 29666183). This variant has not been reported in a large population database (gnomAD), indicating this variant is rare. Taken together, this variant is interpreted as pathogenic.

Labcorp Genetics (formerly Invitae), Labcorp
Classification: Pathogenic for Hypertrophic cardiomyopathy. Last evaluated: 2025-06-01. Review status: criteria provided, single submitter. Criteria: Invitae Variant Classification Sherloc (09022015). Collection method: clinical testing. Allele origin: germline.
Comment: This sequence change replaces isoleucine, which is neutral and non-polar, with threonine, which is neutral and polar, at codon 201 of the MYH7 protein (p.Ile201Thr). This variant is not present in population databases (gnomAD no frequency). This missense change has been observed in individuals with dilated cardiomyopathy (PMID: 15769782, 27532257; internal data). It has also been observed to segregate with disease in related individuals. ClinVar contains an entry for this variant (Variation ID: 43093). Invitae Evidence Modeling of protein sequence and biophysical properties (such as structural, functional, and spatial information, amino acid conservation, physicochemical variation, residue mobility, and thermodynamic stability) indicates that this missense variant is not expected to disrupt MYH7 protein function with a negative predictive value of 95%. This variant is found within a region of MYH7 between codons 181 and 937 that contains the majority of the myosin head domain. Missense variants in this region have been shown to be significantly overrepresented in individuals with hypertrophic cardiomyopathy (PMID: 27532257). For these reasons, this variant has been classified as Pathogenic.

3billion
Classification: Likely pathogenic for MYH7-related disorder. Last evaluated: 2025-05-28. Review status: criteria provided, single submitter. Criteria: ACMG Guidelines, 2015. Collection method: clinical testing. Allele origin: germline. Affected: yes.
Comment: The variant is observed at an extremely low frequency in the gnomAD v4.1.0 dataset (total allele frequency: <0.001%). Predicted Consequence/Location: The variant is located in a mutational hot spot and/or well-established functional domain in which established pathogenic variants have been reported (PMID: 29300372). The same nucleotide change resulting in the same amino acid change has been previously reported as pathogenic/likely pathogenic with strong evidence (ClinVar ID: VCV000043093 /PMID: 15769782 /3billion dataset). Therefore, this variant is classified as Likely pathogenic according to the recommendation of ACMG/AMP guideline.

Women's Health and Genetics/Laboratory Corporation of America, LabCorp
Classification: Pathogenic for Primary familial dilated cardiomyopathy. Last evaluated: 2024-11-11. Review status: criteria provided, single submitter. Criteria: LabCorp Variant Classification Summary - May 2015. Collection method: clinical testing. Allele origin: germline.
Comment: Variant summary: MYH7 c.602T>C (p.Ile201Thr) results in a non-conservative amino acid change located in the Myosin. Large ATPases (IPR001609) of the encoded protein sequence. Three of five in-silico tools predict a benign effect of the variant on protein function. The variant was absent in 251942 control chromosomes. c.602T>C has been reported in the literature in individuals affected with Dilated Cardiomyopathy (e.g. Villard_2005, Pugh_2014, Franaszczyk_2020), shown to segregate with disease and also observed de novo in another case. These data indicate that the variant is likely to be associated with disease. To our knowledge, no experimental evidence demonstrating an impact on protein function has been reported. The following publications have been ascertained in the context of this evaluation (PMID: 15769782, 24503780, 32013205). ClinVar contains an entry for this variant (Variation ID: 43093). Based on the evidence outlined above, the variant was classified as pathogenic.

Blueprint Genetics
Classification: Likely pathogenic for MYH7-related disorders. Last evaluated: 2023-09-01. Review status: criteria provided, single submitter. Criteria: ACMG Guidelines, 2015. Collection method: clinical testing. Allele origin: germline. Affected: yes. Observed: 5 variant alleles.

Clinical Genetics Laboratory, Skane University Hospital Lund
Classification: Pathogenic. Last evaluated: 2023-07-26. Review status: criteria provided, single submitter. Criteria: ACMG Guidelines, 2015. Collection method: clinical testing. Allele origin: germline. Affected: yes.

Institute of Human Genetics Munich, TUM University Hospital
Classification: Pathogenic for Dilated cardiomyopathy 1S. Last evaluated: 2023-01-23. Review status: criteria provided, single submitter. Criteria: Classification criteria August 2017. Collection method: clinical testing. Allele origin: de novo. Inheritance: Autosomal dominant inheritance. Affected: yes. Observed: 1 variant allele.

GeneDx
Classification: Pathogenic. Last evaluated: 2021-11-19. Review status: criteria provided, single submitter. Criteria: GeneDx Variant Classification Process June 2021. Collection method: clinical testing. Allele origin: germline. Affected: yes.
Comment: Reported in ClinVar (ClinVar Variant ID 43093; ClinVar); Not observed in large population cohorts (gnomAD); In silico analysis supports that this missense variant does not alter protein structure/function; This variant is associated with the following publications: (PMID: 16416045, 22337857, 25714468, 27802374, 21424860, 18555187, 24474197, 15769782, 28606303, 24503780, 29666183, 27532257, 31317183, 33500567, 33906374, 29300372, 31737537, 30847666, 26582918, 32013205)

Victorian Clinical Genetics Services, Murdoch Childrens Research Institute
Classification: Likely pathogenic for Dilated cardiomyopathy 1S. Last evaluated: 2021-05-06. Review status: criteria provided, single submitter. Criteria: ACMG Guidelines, 2015. Collection method: clinical testing. Allele origin: germline. Affected: yes.
Comment: Based on the classification scheme VCGS_Germline_v1.3.4, this variant is classified as Likely Pathogenic. Following criteria are met: 0105 - The mechanism of disease for this gene is not clearly established however, missense variants have been proposed to act in a dominant negative manner (PMID: 24714796). (I) 0108 - This gene is associated with both recessive and dominant disease (OMIM). (I) 0200 - Variant is predicted to result in a missense amino acid change from isoleucine to threonine (I) 0251 - This variant is heterozygous. (I) 0301 - Variant is absent from gnomAD (both v2 and v3). (SP) 0309 - An alternative amino acid change at the same position has been observed in gnomAD (v2: 2 heterozygotes, 0 homozygotes). (I) 0502 - Missense variant with conflicting in silico predictions and uninformative conservation. (I) 0504 - Same amino acid change has been observed in placental mammals. (SB) 0601 - Variant is located in the well-established functional myosin_head domain (PMID: 29300372). (SP) 0705 - No comparable missense variants have previous evidence for pathogenicity. (I) 0801 - This variant has strong previous evidence of pathogenicity in unrelated individuals. It has been previously reported as likely pathogenic in multiple patients with DCM (ClinVar, PMID: 15769782, 24503780, 30847666, 32013205). (SP) 1002 - This variant has moderate functional evidence supporting abnormal protein function. Functional studies show that this variant causes a deficit in force generation and force-holding capacity due to the reduced occupancy of the force-holding state (PMID: 29666183). (SP) 1208 - Inheritance information for this variant is not currently available in this individual. (I) Legend: (SP) - Supporting pathogenic, (I) - Information, (SB) - Supporting benign

CHEO Genetics Diagnostic Laboratory, Children's Hospital of Eastern Ontario
Classification: Likely pathogenic for Cardiomyopathy. Last evaluated: 2019-07-25. Review status: criteria provided, single submitter. Criteria: ACMG Guidelines, 2015. Collection method: clinical testing. Allele origin: germline.

Laboratory for Molecular Medicine, Mass General Brigham Personalized Medicine
Classification: Likely pathogenic for Primary dilated cardiomyopathy. Last evaluated: 2014-01-02. Review status: criteria provided, single submitter. Criteria: LMM Criteria. Collection method: clinical testing. Allele origin: germline. Inheritance: Autosomal dominant inheritance. Observed: 4 variant alleles.
Comment: proposed classification - variant undergoing re-assessment, contact laboratory

Clinical Genetics DNA and cytogenetics Diagnostics Lab, Erasmus MC, Erasmus Medical Center
Classification: Pathogenic. Review status: no assertion criteria provided. Collection method: clinical testing. Allele origin: germline. Affected: yes. Study: VKGL Data-share Consensus. Not counted in ClinVar's aggregate classification.

Clinical Genetics, Academic Medical Center
Classification: Likely pathogenic. Review status: no assertion criteria provided. Collection method: clinical testing. Allele origin: germline. Affected: yes. Study: VKGL Data-share Consensus. Not counted in ClinVar's aggregate classification.

Literature cited by the submitters: PubMed 15769782 (cited by 5 submitters); PubMed 27532257 (cited by Labcorp Genetics (formerly Invitae), Labcorp); PubMed 24503780 (cited by Women's Health and Genetics/Laboratory Corporation of America, LabCorp and Victorian Clinical Genetics Services, Murdoch Childrens Research Institute); PubMed 32013205 (cited by Women's Health and Genetics/Laboratory Corporation of America, LabCorp and Victorian Clinical Genetics Services, Murdoch Childrens Research Institute); PubMed 24714796 (cited by Victorian Clinical Genetics Services, Murdoch Childrens Research Institute); PubMed 29300372 (cited by Victorian Clinical Genetics Services, Murdoch Childrens Research Institute); PubMed 29666183 (cited by Victorian Clinical Genetics Services, Murdoch Childrens Research Institute); PubMed 30847666 (cited by Victorian Clinical Genetics Services, Murdoch Childrens Research Institute).